The following is an entry in ClinVar:

ClinVar aggregate classification (germline): Conflicting classifications of pathogenicity. Review status: criteria provided, conflicting classifications (1 of 4 stars). 2 submissions from 2 submitters: Uncertain significance (1); Likely benign (1). Last evaluated 2023-03-23.

Conditions:
Hereditary cancer-predisposing syndrome. Also called: Neoplastic Syndromes, Hereditary; Hereditary Cancer Syndrome; Hereditary neoplastic syndrome; Tumor predisposition. Identifiers: Orphanet 140162, MedGen C0027672, MeSH D009386, MONDO:0015356.
Hereditary breast ovarian cancer syndrome. Also called: Hereditary breast and ovarian cancer syndrome (HBOC); Hereditary breast and ovarian cancer syndrome; Breast and ovarian cancer; Hereditary breast and/or ovarian cancer syndrome; Hereditary breast and ovarian cancer; BRCA1- and BRCA2-Associated Hereditary Breast and Ovarian Cancer. Identifiers: Orphanet 145, MedGen C0677776, MeSH D061325, MONDO:0003582. Disease mechanism: loss of function.

Submissions (2):

University of Washington Department of Laboratory Medicine, University of Washington
Classification: Likely benign for Hereditary cancer-predisposing syndrome. Last evaluated: 2023-03-23. Review status: criteria provided, single submitter. Criteria: Dines et al. (Genet Med. 2020). Collection method: curation. Allele origin: germline.
Comment: Missense variant in a coldspot region where missense variants are very unlikely to be pathogenic (PMID:31911673).

BRCA2 exon 10 coldspot. Reclassification based on statistical prior probability.

Labcorp Genetics (formerly Invitae), Labcorp
Classification: Uncertain significance for Hereditary breast ovarian cancer syndrome. Last evaluated: 2017-02-05. Review status: criteria provided, single submitter. Criteria: Invitae Variant Classification Sherloc (09022015). Collection method: clinical testing. Allele origin: germline.
Comment: This variant is not present in population databases (ExAC no frequency) and has not been reported in the literature in individuals with a BRCA2-related disease. Algorithms developed to predict the effect of missense changes on protein structure and function output the following: (SIFT: "Tolerated"; PolyPhen-2: "Benign"; Align-GVGD: "Class C0"). The isoleucine amino acid residue is found in multiple mammalian species, suggesting that this missense change does not adversely affect protein function. These predictions have not been confirmed by published functional studies. In summary, this variant is a novel missense change that is not predicted to affect protein function. There is no indication that it causes disease, but the available evidence is currently insufficient to prove that conclusively. Therefore, it has been classified as a Variant of Uncertain Significance. This sequence change replaces leucine with isoleucine at codon 429 of the BRCA2 protein (p.Leu429Ile). The leucine residue is weakly conserved and there is a small physicochemical difference between leucine and isoleucine.

NM_000059.4(BRCA2):c.1285T>A (p.Leu429Ile)

Gene: BRCA2 (BRCA2 DNA repair associated; plus strand). Cytogenetic location: 13q13.1.
Variant type: single nucleotide variant.
Coding change: c.1285T>A on transcript NM_000059.4 (MANE Select); coding-DNA position 1285, T replaced by A.
Protein change: p.Leu429Ile; replaces leucine 429 with isoleucine.
Molecular consequence: missense variant.
Genome position (GRCh38, 1-based): chr13:32,332,763, T>A. VCF-style: chr13-32332763-T-A. GRCh37 (hg19) VCF-style: chr13-32906900-T-A.
Other names: short protein forms L429I.
Identifiers: ClinVar variation 462231 (VCV000462231.10), dbSNP rs1555281818, ClinGen allele CA387762445.